The following is an entry in ClinVar:

NM_001323289.2(CDKL5):c.282+3A>G

Gene: CDKL5 (cyclin dependent kinase like 5; plus strand). Cytogenetic location: Xp22.13.
Variant type: single nucleotide variant.
Coding change: c.282+3A>G on transcript NM_001323289.2 (MANE Select); 3 bases into the intron after coding-DNA position 282, A replaced by G.
Molecular consequence: intron variant.
Genome position (GRCh38, 1-based): chrX:18,575,493, A>G. VCF-style: chrX-18575493-A-G. GRCh37 (hg19) VCF-style: chrX-18593613-A-G.
Other names: c.282+3A>G (NM_003159.3, NM_001037343.2).
Identifiers: ClinVar variation 2015559 (VCV002015559.4), dbSNP rs2518844834, ClinGen allele CA2580100397.

ClinVar aggregate classification (germline): Uncertain significance (1 of 4 stars; one submission).

Conditions:
Developmental and epileptic encephalopathy, 2 (DEE2). Also called: INFANTILE SPASM SYNDROME, X-LINKED 2; CDKL5 deficiency disorder. Identifiers: Orphanet 1934, Orphanet 3451, Orphanet 505652, MedGen C4750718, MONDO:0010396, OMIM 300672.
Angelman syndrome-like. Identifiers: MedGen CN128785.

Submission:

Labcorp Genetics (formerly Invitae), Labcorp
Classification: Uncertain significance for Developmental and epileptic encephalopathy, 2; Angelman syndrome-like. Last evaluated: 2022-07-09. Review status: criteria provided, single submitter. Criteria: Invitae Variant Classification Sherloc (09022015). Collection method: clinical testing. Allele origin: germline.
Comment: In summary, the available evidence is currently insufficient to determine the role of this variant in disease. Therefore, it has been classified as a Variant of Uncertain Significance. Variants that disrupt the consensus splice site are a relatively common cause of aberrant splicing (PMID: 17576681, 9536098). Algorithms developed to predict the effect of sequence changes on RNA splicing suggest that this variant may create or strengthen a splice site. This variant has not been reported in the literature in individuals affected with CDKL5-related conditions. This variant is not present in population databases (gnomAD no frequency). This sequence change falls in intron 5 of the CDKL5 gene. It does not directly change the encoded amino acid sequence of the CDKL5 protein. It affects a nucleotide within the consensus splice site.

Literature cited by the submitters: PubMed 17576681; PubMed 9536098.